The following is an entry in ClinVar:

ClinVar aggregate classification (germline): Uncertain significance. Review status: criteria provided, multiple submitters, no conflicts (2 of 4 stars). 3 submissions from 3 submitters: Uncertain significance (3). Last evaluated 2025-05-09.

Conditions:
Intellectual disability, autosomal dominant 16 (CSS4). Also called: COFFIN-SIRIS SYNDROME 4. Identifiers: Orphanet 1465, MedGen C3553249, MONDO:0013821, OMIM 614609.
Hereditary cancer-predisposing syndrome. Also called: Hereditary neoplastic syndrome; Neoplastic Syndromes, Hereditary; Tumor predisposition; Hereditary Cancer Syndrome. Identifiers: Orphanet 140162, MedGen C0027672, MeSH D009386, MONDO:0015356.
Rhabdoid tumor predisposition syndrome 2 (RTPS2). Identifiers: Orphanet 231108, Orphanet 69077, MedGen C2750074, MONDO:0013224, OMIM 613325.

Allele frequency attached by ClinVar (database versions not stated): gnomAD 0.00001; gnomAD exomes 0.00001.
gnomAD v4.1: 8 of 1,551,728 alleles (0.00052%); highest among the groups gnomAD compares: East Asian, 0.02%; no homozygotes.

Submissions (3):

Labcorp Genetics (formerly Invitae), Labcorp
Classification: Uncertain significance for Rhabdoid tumor predisposition syndrome 2. Last evaluated: 2025-05-09. Review status: criteria provided, single submitter. Criteria: Invitae Variant Classification Sherloc (09022015). Collection method: clinical testing. Allele origin: germline.
Comment: This sequence change replaces lysine, which is basic and polar, with threonine, which is neutral and polar, at codon 1642 of the SMARCA4 protein (p.Lys1642Thr). This variant is not present in population databases (gnomAD no frequency). This variant has not been reported in the literature in individuals affected with SMARCA4-related conditions. ClinVar contains an entry for this variant (Variation ID: 470425). Invitae Evidence Modeling of protein sequence and biophysical properties (such as structural, functional, and spatial information, amino acid conservation, physicochemical variation, residue mobility, and thermodynamic stability) has been performed for this missense variant. However, the output from this modeling did not meet the statistical confidence thresholds required to predict the impact of this variant on SMARCA4 protein function. In summary, the available evidence is currently insufficient to determine the role of this variant in disease. Therefore, it has been classified as a Variant of Uncertain Significance.

Ambry Genetics
Classification: Uncertain significance for Hereditary cancer-predisposing syndrome. Last evaluated: 2024-12-22. Review status: criteria provided, single submitter. Criteria: Ambry Variant Classification Scheme 2023. Collection method: clinical testing. Allele origin: germline.
Comment: The p.K1642T variant (also known as c.4925A>C), located in coding exon 34 of the SMARCA4 gene, results from an A to C substitution at nucleotide position 4925. The lysine at codon 1642 is replaced by threonine, an amino acid with similar properties. This amino acid position is highly conserved in available vertebrate species. In addition, the in silico prediction for this alteration is inconclusive. Since supporting evidence is limited at this time, the clinical significance of this alteration remains unclear.

Genome-Nilou Lab
Classification: Uncertain significance for Intellectual disability, autosomal dominant 16. Last evaluated: 2021-07-15. Review status: criteria provided, single submitter. Criteria: ACMG Guidelines, 2015. Collection method: clinical testing. Allele origin: germline. Affected: no.

NM_003072.5(SMARCA4):c.4829A>C (p.Lys1610Thr)

Gene: SMARCA4 (SWI/SNF related BAF chromatin remodeling complex subunit ATPase 4; plus strand). Cytogenetic location: 19p13.2.
Variant type: single nucleotide variant.
Coding change: c.4829A>C on transcript NM_003072.5 (MANE Select); coding-DNA position 4829, A replaced by C.
Protein change: p.Lys1610Thr; replaces lysine 1610 with threonine.
Molecular consequence: missense variant. On other transcripts: non-coding transcript variant (1).
Genome position (GRCh38, 1-based): chr19:11,060,105, A>C. VCF-style: chr19-11060105-A-C. GRCh37 (hg19) VCF-style: chr19-11170781-A-C.
Other names: c.4829A>C, p.Lys1610Thr (NM_001128844.3); c.4739A>C, p.Lys1580Thr (NM_001128845.2); c.4736A>C, p.Lys1579Thr (NM_001128846.2); c.4730A>C, p.Lys1577Thr (NM_001128847.4, NM_001374457.1); c.4727A>C, p.Lys1576Thr (NM_001128848.2); c.4925A>C, p.Lys1642Thr (NM_001128849.3, NM_001387283.1); short protein forms K1642T, K1576T, K1610T, K1577T, K1580T, K1579T.
Identifiers: ClinVar variation 470425 (VCV000470425.16), dbSNP rs1555796263, ClinGen allele CA404080584.